The following is an entry in ClinVar:

NM_176869.3(PPA2):c.731C>G (p.Pro244Arg)

Gene: PPA2 (inorganic pyrophosphatase 2; minus strand). Cytogenetic location: 4q24.
Variant type: single nucleotide variant.
Coding change: c.731C>G on transcript NM_176869.3 (MANE Select); coding-DNA position 731, C replaced by G.
Protein change: p.Pro244Arg; replaces proline 244 with arginine.
Molecular consequence: missense variant.
Genome position (GRCh38, 1-based): chr4:105,399,089, G>C on the plus strand (C>G on the coding strand, the complement: PPA2 is on the minus strand). VCF-style: chr4-105399089-G-C. GRCh37 (hg19) VCF-style: chr4-106320246-G-C.
Other names: c.644C>G, p.Pro215Arg (NM_006903.4); c.425C>G, p.Pro142Arg (NM_176866.2); c.233C>G, p.Pro78Arg (NM_176867.3); short protein forms P142R, P215R, P244R, P78R.
Identifiers: ClinVar variation 1395122 (VCV001395122.5), dbSNP rs375637385, ClinGen allele CA3032445.

ClinVar aggregate classification (germline): Uncertain significance (1 of 4 stars; one submission).

Allele frequency attached by ClinVar (database versions not stated): gnomAD exomes below 0.00001 and 0.00001; ExAC 0.00002; gnomAD 0.00003 and 0.00004; TOPMed 0.00003; ESP Exome Variant Server 0.00008.
gnomAD v4.1: 7 of 1,610,306 alleles (0.00043%); highest among the groups gnomAD compares: African/African-American, 0.008%; no homozygotes.

Submission:

Labcorp Genetics (formerly Invitae), Labcorp
Classification: Uncertain significance. Last evaluated: 2022-06-27. Review status: criteria provided, single submitter. Criteria: Invitae Variant Classification Sherloc (09022015). Collection method: clinical testing. Allele origin: germline.
Comment: This sequence change replaces proline, which is neutral and non-polar, with arginine, which is basic and polar, at codon 244 of the PPA2 protein (p.Pro244Arg). This variant is present in population databases (rs375637385, gnomAD 0.02%). This variant has not been reported in the literature in individuals affected with PPA2-related conditions. Algorithms developed to predict the effect of missense changes on protein structure and function (SIFT, PolyPhen-2, Align-GVGD) all suggest that this variant is likely to be disruptive. Algorithms developed to predict the effect of sequence changes on RNA splicing suggest that this variant may create or strengthen a splice site. In summary, the available evidence is currently insufficient to determine the role of this variant in disease. Therefore, it has been classified as a Variant of Uncertain Significance.